The following is an entry in ClinVar:

NM_001166108.2(PALLD):c.2622+3A>G

Genes: CBR4 (carbonyl reductase 4; minus strand), PALLD (palladin, cytoskeletal associated protein; plus strand). Cytogenetic location: 4q32.3.
Variant type: single nucleotide variant.
Coding change: c.2622+3A>G on transcript NM_001166108.2 (MANE Select); 3 bases into the intron after coding-DNA position 2622, A replaced by G.
Molecular consequence: intron variant.
Genome position (GRCh38, 1-based): chr4:168,903,909, A>G. VCF-style: chr4-168903909-A-G. GRCh37 (hg19) VCF-style: chr4-169825060-A-G.
Other names: c.2571+3A>G (NM_016081.4); c.1425+3A>G (NM_001166109.2); c.1110+3A>G (NM_001166110.2); c.501+3A>G (NM_001367570.1, NM_001367568.1); c.450+3A>G (NM_001367567.1, NM_001367569.1).
Identifiers: ClinVar variation 2781112 (VCV002781112.3), dbSNP rs2533841006, ClinGen allele CA2739270359.

ClinVar aggregate classification (germline): Uncertain significance (1 of 4 stars; one submission).

Conditions:
Pancreatic adenocarcinoma. Identifiers: MedGen C0281361, MONDO:0006047, HP:0006725.

Submission:

Labcorp Genetics (formerly Invitae), Labcorp
Classification: Uncertain significance for Pancreatic adenocarcinoma. Last evaluated: 2023-03-12. Review status: criteria provided, single submitter. Criteria: Invitae Variant Classification Sherloc (09022015). Collection method: clinical testing. Allele origin: germline.
Comment: In summary, the available evidence is currently insufficient to determine the role of this variant in disease. Therefore, it has been classified as a Variant of Uncertain Significance. Variants that disrupt the consensus splice site are a relatively common cause of aberrant splicing (PMID: 17576681, 9536098). Algorithms developed to predict the effect of sequence changes on RNA splicing suggest that this variant is not likely to affect RNA splicing. This variant has not been reported in the literature in individuals affected with PALLD-related conditions. This variant is not present in population databases (gnomAD no frequency). This sequence change falls in intron 6 of the PALLD gene. It does not directly change the encoded amino acid sequence of the PALLD protein. It affects a nucleotide within the consensus splice site.

Literature cited by the submitters: PubMed 17576681; PubMed 9536098.